The following is an entry in ClinVar:

NM_014516.4(CNOT3):c.151_153del (p.Glu51del)

Gene: CNOT3 (CCR4-NOT transcription complex subunit 3; plus strand). Cytogenetic location: 19q13.42.
Variant type: Deletion.
Coding change: c.151_153del on transcript NM_014516.4 (MANE Select); coding-DNA positions 151 to 153, 3 bases deleted (GAG; older notation c.151_153delGAG).
Protein change: p.Glu51del; deletes glutamic acid 51.
Molecular consequence: inframe deletion.
Genome position (GRCh38, 1-based): chr19:54,143,499-54,143,501, GAG deleted; deleting any 3 consecutive bases within chr19:54,143,497-54,143,501 gives the same sequence; the c. name uses the placement nearest the transcript's 3' end. VCF-style (leftmost placement, unchanged base first): chr19-54143496-AAGG-A. GRCh37 (hg19) VCF-style: chr19-54647232-AAGG-A.
Other names: short protein forms E51del.
Identifiers: ClinVar variation 1709182 (VCV001709182.2), dbSNP rs2517257552, ClinGen allele CA2580097769.

ClinVar aggregate classification (germline): Uncertain significance (1 of 4 stars; one submission).

Conditions:
Intellectual developmental disorder with speech delay, autism, and dysmorphic facies. Identifiers: MedGen C5231456, MONDO:0032864, OMIM 618672.

Submission:

MGZ Medical Genetics Center
Classification: Uncertain significance for Intellectual developmental disorder with speech delay, autism, and dysmorphic facies. Last evaluated: 2022-02-21. Review status: criteria provided, single submitter. Criteria: ACMG Guidelines, 2015. Collection method: clinical testing. Allele origin: germline. Affected: yes. Observed: 1 variant allele.
Comment: ACMG criteria applied: PM4, PS2_SUP, PM2_SUP